The following is an entry in ClinVar:

ClinVar aggregate classification (germline): Uncertain significance. Review status: criteria provided, multiple submitters, no conflicts (2 of 4 stars). 2 submissions from 2 submitters: Uncertain significance (2). Last evaluated 2022-02-18.

Conditions:
Tay-Sachs disease (TSD). Also called: HEXA Disorders; HEXA DEFICIENCY; GM2 gangliosidosis, type 1; Hexosaminidase alpha-subunit deficiency (variant B); Sphingolipidosis, Tay-Sachs; Hexosaminidase A Deficiency. Identifiers: Orphanet 845, MedGen C0039373, MONDO:0010100, OMIM 272800.

Allele frequency attached by ClinVar (database versions not stated): gnomAD exomes below 0.00001; TOPMed below 0.00001.
gnomAD v4.1: 3 of 1,610,522 alleles (0.00019%); highest among the groups gnomAD compares: African/African-American, 0.0013%; no homozygotes.

Submissions (2):

Women's Health and Genetics/Laboratory Corporation of America, LabCorp
Classification: Uncertain significance. Last evaluated: 2022-02-18. Review status: criteria provided, single submitter. Criteria: LabCorp Variant Classification Summary - May 2015. Collection method: clinical testing. Allele origin: germline.

Labcorp Genetics (formerly Invitae), Labcorp
Classification: Uncertain significance for Tay-Sachs disease. Last evaluated: 2021-09-24. Review status: criteria provided, single submitter. Criteria: Invitae Variant Classification Sherloc (09022015). Collection method: clinical testing. Allele origin: germline.
Comment: This sequence change replaces isoleucine with valine at codon 120 of the HEXA protein (p.Ile120Val). The isoleucine residue is weakly conserved and there is a small physicochemical difference between isoleucine and valine. This variant is not present in population databases (ExAC no frequency). This variant has not been reported in the literature in individuals with HEXA-related disease. Algorithms developed to predict the effect of missense changes on protein structure and function output the following: SIFT: "Tolerated"; PolyPhen-2: "Benign"; Align-GVGD: "Class C0". The valine amino acid residue is found in multiple mammalian species, suggesting that this missense change does not adversely affect protein function. These predictions have not been confirmed by published functional studies and their clinical significance is uncertain. In summary, the available evidence is currently insufficient to determine the role of this variant in disease. Therefore, it has been classified as a Variant of Uncertain Significance.

NM_000520.6(HEXA):c.358A>G (p.Ile120Val)

Gene: HEXA (hexosaminidase subunit alpha; minus strand). Cytogenetic location: 15q23.
Variant type: single nucleotide variant.
Coding change: c.358A>G on transcript NM_000520.6 (MANE Select); coding-DNA position 358, A replaced by G.
Protein change: p.Ile120Val; replaces isoleucine 120 with valine.
Molecular consequence: missense variant. On other transcripts: non-coding transcript variant (1).
Genome position (GRCh38, 1-based): chr15:72,355,613, T>C on the plus strand (A>G on the coding strand, the complement: HEXA is on the minus strand). VCF-style: chr15-72355613-T-C. GRCh37 (hg19) VCF-style: chr15-72647954-T-C.
Other names: c.391A>G, p.Ile131Val (NM_001318825.2); short protein forms I120V, I131V.
Identifiers: ClinVar variation 1343493 (VCV001343493.6), dbSNP rs1567300305, ClinGen allele CA393066805.